The following is an entry in ClinVar:

ClinVar aggregate classification (germline): Uncertain significance (1 of 4 stars; one submission).

Conditions:
Baller-Gerold syndrome (BGS). Also called: CRANIOSYNOSTOSIS WITH RADIAL DEFECTS. Identifiers: Orphanet 1225, MedGen C0265308, MONDO:0009039, OMIM 218600.

gnomAD v4.1: 3 of 1,597,982 alleles (0.00019%); highest among the groups gnomAD compares: Non-Finnish European, 0.00017%; no homozygotes.

Submission:

Labcorp Genetics (formerly Invitae), Labcorp
Classification: Uncertain significance for Baller-Gerold syndrome. Last evaluated: 2023-12-01. Review status: criteria provided, single submitter. Criteria: Invitae Variant Classification Sherloc (09022015). Collection method: clinical testing. Allele origin: germline.
Comment: This sequence change replaces threonine, which is neutral and polar, with isoleucine, which is neutral and non-polar, at codon 909 of the RECQL4 protein (p.Thr909Ile). This variant is not present in population databases (gnomAD no frequency). This variant has not been reported in the literature in individuals affected with RECQL4-related conditions. ClinVar contains an entry for this variant (Variation ID: 657332). Advanced modeling of protein sequence and biophysical properties (such as structural, functional, and spatial information, amino acid conservation, physicochemical variation, residue mobility, and thermodynamic stability) performed at Invitae indicates that this missense variant is not expected to disrupt RECQL4 protein function with a negative predictive value of 80%. In summary, the available evidence is currently insufficient to determine the role of this variant in disease. Therefore, it has been classified as a Variant of Uncertain Significance.

NM_004260.4(RECQL4):c.2726C>T (p.Thr909Ile)

Gene: RECQL4 (RecQ like helicase 4; minus strand). Cytogenetic location: 8q24.3.
Variant type: single nucleotide variant.
Coding change: c.2726C>T on transcript NM_004260.4 (MANE Select); coding-DNA position 2726, C replaced by T.
Protein change: p.Thr909Ile; replaces threonine 909 with isoleucine.
Molecular consequence: missense variant.
Genome position (GRCh38, 1-based): chr8:144,512,876, G>A on the plus strand (C>T on the coding strand, the complement: RECQL4 is on the minus strand). VCF-style: chr8-144512876-G-A. GRCh37 (hg19) VCF-style: chr8-145738259-G-A.
Other names: short protein forms T909I.
Identifiers: ClinVar variation 657332 (VCV000657332.3), dbSNP rs1586798501, ClinGen allele CA372674942.